The following is an entry in ClinVar:

ClinVar aggregate classification (germline): Pathogenic. Review status: criteria provided, multiple submitters, no conflicts (2 of 4 stars). 3 submissions from 3 submitters: Pathogenic (3). Last evaluated 2025-07-21.

Conditions:
COL17A1-related disorder. Also called: COL17A1-related condition.

Allele frequency attached by ClinVar (database versions not stated): gnomAD exomes below 0.00001; ExAC 0.00001; gnomAD 0.00001; TOPMed 0.00001.
gnomAD v4.1: 6 of 1,613,524 alleles (0.00037%); highest among the groups gnomAD compares: Non-Finnish European, 0.00051%; no homozygotes.

Submissions (3):

PreventionGenetics, part of Exact Sciences
Classification: Pathogenic for COL17A1-related condition. Last evaluated: 2025-07-21. Review status: criteria provided, single submitter. Criteria: ACMG Guidelines, 2015. Collection method: clinical testing. Allele origin: germline.
Comment: The COL17A1 c.380-1G>A variant is predicted to disrupt the AG splice acceptor site and interfere with normal splicing. This variant has been previously reported in the homozygous or compound heterozygous state in individuals with junctional epidermolysis bullosa (Hérissé et al. 2021. PubMed ID: 33393081; Ablinger et al. 2021. PubMed ID: 33805154). This variant is reported in 0.00088% of alleles in individuals of European (Non-Finnish) descent in gnomAD. Variants that disrupt the consensus splice acceptor site in COL17A1 are expected to be pathogenic. This variant is interpreted as pathogenic.

GeneDx
Classification: Pathogenic. Last evaluated: 2025-04-25. Review status: criteria provided, single submitter. Criteria: GeneDx Variant Classification Process June 2021. Collection method: clinical testing. Allele origin: germline. Affected: yes.
Comment: Canonical splice site variant predicted to result in a null allele in a gene for which loss of function is a known mechanism of disease (PMID: 33805154); Not observed at significant frequency in large population cohorts (gnomAD); This variant is associated with the following publications: (PMID: 33393081, 33805154)

Labcorp Genetics (formerly Invitae), Labcorp
Classification: Pathogenic. Last evaluated: 2024-05-20. Review status: criteria provided, single submitter. Criteria: Invitae Variant Classification Sherloc (09022015). Collection method: clinical testing. Allele origin: germline.
Comment: This sequence change affects an acceptor splice site in intron 6 of the COL17A1 gene. It is expected to disrupt RNA splicing. Variants that disrupt the donor or acceptor splice site typically lead to a loss of protein function (PMID: 16199547), and loss-of-function variants in COL17A1 are known to be pathogenic (PMID: 16473856, 17344927, 20301304, 21357940, 24319098). This variant is present in population databases (rs775262228, gnomAD 0.0009%). Disruption of this splice site has been observed in individual(s) with autosomal recessive junctional epidermolysis bullosa (PMID: 33393081). In at least one individual the data is consistent with being in trans (on the opposite chromosome) from a pathogenic variant. Algorithms developed to predict the effect of sequence changes on RNA splicing suggest that this variant may disrupt the consensus splice site. For these reasons, this variant has been classified as Pathogenic.

Literature cited by the submitters: PubMed 16199547 (cited by Labcorp Genetics (formerly Invitae), Labcorp); PubMed 16473856 (cited by Labcorp Genetics (formerly Invitae), Labcorp); PubMed 17344927 (cited by Labcorp Genetics (formerly Invitae), Labcorp); PubMed 20301304 (cited by Labcorp Genetics (formerly Invitae), Labcorp); PubMed 21357940 (cited by Labcorp Genetics (formerly Invitae), Labcorp); PubMed 24319098 (cited by Labcorp Genetics (formerly Invitae), Labcorp); PubMed 33393081 (cited by Labcorp Genetics (formerly Invitae), Labcorp).

NM_000494.4(COL17A1):c.380-1G>A

Gene: COL17A1 (collagen type XVII alpha 1 chain; minus strand). Cytogenetic location: 10q25.1.
Variant type: single nucleotide variant.
Coding change: c.380-1G>A on transcript NM_000494.4 (MANE Select); the canonical splice acceptor site of the intron before coding-DNA position 380, G replaced by A.
Molecular consequence: splice acceptor variant.
Genome position (GRCh38, 1-based): chr10:104,073,246, C>T on the plus strand (G>A on the coding strand, the complement: COL17A1 is on the minus strand). VCF-style: chr10-104073246-C-T. GRCh37 (hg19) VCF-style: chr10-105833004-C-T.
Other names: c.380-1G>A (NM_000494.3).
Identifiers: ClinVar variation 2723525 (VCV002723525.5), dbSNP rs775262228, ClinGen allele CA5679454.